The following is an entry in ClinVar:

ClinVar aggregate classification (germline): Benign. Review status: criteria provided, single submitter (1 of 4 stars). 2 submissions from 1 submitter: Benign (2). Last evaluated 2018-01-13.

Conditions:
Hypophosphatemic rickets, autosomal recessive, 2 (ARHR2). Identifiers: Orphanet 289176, MedGen C2750078, MONDO:0013219, OMIM 613312.
Arterial calcification, generalized, of infancy, 1 (GACI1). Also called: Idiopathic Infantile Arterial Calcification. Identifiers: Orphanet 51608, MedGen C4551985, MONDO:0008817, OMIM 208000.

Allele frequency attached by ClinVar (database versions not stated): gnomAD exomes 0.01364; 1000 Genomes Project 0.02396; 1000 Genomes Project 30x 0.02483; gnomAD 0.03174 and 0.03390; TOPMed 0.03566.
gnomAD v4.1: 4,876 of 152,102 alleles (3.2%); highest among the groups gnomAD compares: African/African-American, 4.8%; 98 homozygotes.

Submissions (2):

Illumina Laboratory Services, Illumina
Classification: Benign for Arterial calcification, generalized, of infancy, 1. Last evaluated: 2018-01-13. Review status: criteria provided, single submitter. Criteria: ICSL Variant Classification Criteria 13 December 2019. Collection method: clinical testing. Allele origin: germline.
Comment: This variant was observed in the ICSL laboratory as part of a predisposition screen in an ostensibly healthy population. It had not been previously curated by ICSL or reported in the Human Gene Mutation Database (HGMD: prior to June 1st, 2018), and was therefore a candidate for classification through an automated scoring system. Utilizing variant allele frequency, disease prevalence and penetrance estimates, and inheritance mode, an automated score was calculated to assess if this variant is too frequent to cause the disease. Based on the score and internal cut-off values, a variant classified as benign is not then subjected to further curation. The score for this variant resulted in a classification of benign for this disease.

Illumina Laboratory Services, Illumina
Classification: Benign for Hypophosphatemic rickets, autosomal recessive, 2. Last evaluated: 2018-01-13. Review status: criteria provided, single submitter. Criteria: ICSL Variant Classification Criteria 13 December 2019. Collection method: clinical testing. Allele origin: germline.
Comment: the same text as in the submission from Illumina Laboratory Services, Illumina above.

NM_006208.3(ENPP1):c.*3706G>A

Gene: ENPP1 (ectonucleotide pyrophosphatase/phosphodiesterase 1; plus strand). Cytogenetic location: 6q23.2.
Variant type: single nucleotide variant.
Coding change: c.*3706G>A on transcript NM_006208.3 (MANE Select); 3706 bases downstream of the stop codon, G replaced by A.
Molecular consequence: 3 prime UTR variant.
Genome position (GRCh38, 1-based): chr6:131,894,217, G>A. VCF-style: chr6-131894217-G-A. GRCh37 (hg19) VCF-style: chr6-132215357-G-A.
Identifiers: ClinVar variation 355423 (VCV000355423.5), dbSNP rs12205225, ClinGen allele CA10625812.